The following is an entry in ClinVar:

ClinVar aggregate classification (germline): Pathogenic (1 of 4 stars; one submission).

Conditions:
Dilated cardiomyopathy 1I (CMD1I). Identifiers: Orphanet 154, MedGen C1858154, MONDO:0011482, OMIM 604765.

Submission:

Victorian Clinical Genetics Services, Murdoch Childrens Research Institute
Classification: Pathogenic for Dilated cardiomyopathy 1I. Last evaluated: 2026-02-19. Review status: criteria provided, single submitter. Criteria: ACMG Guidelines, 2015. Collection method: clinical testing. Allele origin: germline.
Comment: This variant is classified as Pathogenic. Evidence in support of pathogenic classification: Variant is predicted to cause nonsense-mediated decay (NMD) and loss of protein (premature termination codon is located at least 54 nucleotides upstream of the final exon-exon junction); Variant is present in gnomAD <0.01 (v4: 1 heterozygote(s), 0 homozygote(s)); Other NMD-predicted variant(s) comparable to the one identified in this case have very strong previous evidence for pathogenicity (DECIPHER). Additional information: This gene is associated with both recessive and dominant disease. The majority of disease-associated DES variants exhibit autosomal dominant inheritance, with rare cases of biallelic truncating and missense variants reported for myopathy (PMID: 29926427); Dominant negative and loss of function are known mechanisms of disease in this gene and are associated with dilated cardiomyopathy 1I (MIM#604765), myofibrillar myopathy 1 (MIM#601419), Kaeser type neurogenic scapuloperoneal syndrome (MIM#181400) and arrhythmogenic right ventricular cardiomyopathy (MONDO:0016587), DES-related (PMIDs: 29926427, 33373648).

Literature cited by the submitters: PubMed 29926427; PubMed 33373648.

NM_001927.4(DES):c.514del (p.Gln172fs)

Gene: DES (desmin; plus strand). Cytogenetic location: 2q35.
Variant type: Deletion.
Coding change: c.514del on transcript NM_001927.4 (MANE Select); coding-DNA position 514, one base deleted (C; older notation c.514delC).
Protein change: p.Gln172fs; shifts the reading frame from glutamine 172.
Molecular consequence: frameshift variant. On other transcripts: intron variant (1).
Genome position (GRCh38, 1-based): chr2:219,418,976, C deleted; the last of 2 consecutive C bases (chr2:219,418,975-219,418,976); deleting either gives the same sequence. VCF-style (leftmost placement, unchanged base first): chr2-219418974-AC-A. GRCh37 (hg19) VCF-style: chr2-220283696-AC-A.
Other names: c.514del, p.Gln172fs (NM_001382708.1, NM_001382709.1, NM_001382710.1 and 2 more transcripts); c.495+19del (NM_001382713.1); short protein forms Q172fs.
Identifiers: ClinVar variation 4879682 (VCV004879682.1).